The following is an entry in ClinVar:

NM_001291303.3(FAT4):c.10730_10731del (p.Glu3577fs)

Gene: FAT4 (FAT atypical cadherin 4; plus strand). Cytogenetic location: 4q28.1.
Variant type: Microsatellite.
Coding change: c.10730_10731del on transcript NM_001291303.3 (MANE Select); coding-DNA positions 10730 to 10731, 2 bases deleted (AG; older notation c.10730_10731delAG).
Protein change: p.Glu3577fs; shifts the reading frame from glutamic acid 3577.
Molecular consequence: frameshift variant.
Genome position (GRCh38, 1-based): chr4:125,451,740-125,451,741, AG deleted; deleting any 2 consecutive bases within chr4:125,451,736-125,451,741 gives the same sequence; the c. name uses the placement nearest the transcript's 3' end. VCF-style (leftmost placement, unchanged base first): chr4-125451735-CAG-C. GRCh37 (hg19) VCF-style: chr4-126372890-CAG-C.
Other names: c.10730_10731del, p.Glu3577fs (NM_001291285.3, NM_001438396.1, NM_001438397.1); c.5501_5502del, p.Glu1834fs (NM_001437895.1); c.10724_10725del, p.Glu3575fs (NM_024582.6); short protein forms E3575fs, E3577fs, E1834fs.
Identifiers: ClinVar variation 4724956 (VCV004724956.1).
Genomic context (GRCh38, chr4:125,451,735, plus strand): 5'-TGCCACCAGTTATTTCAGTCTGAGCACTGCTGGAGTTCTGAGCACAACCAGAGAGATTGA[CAG>C]AGAGCAGATTGCAGACTTCTATCTGTCTGTGGTTACCAAGGATTCTGGTGTTCCTCAAAT-3'

ClinVar aggregate classification (germline): Pathogenic (1 of 4 stars; one submission).

Submission:

Labcorp Genetics (formerly Invitae), Labcorp
Classification: Pathogenic. Last evaluated: 2025-08-31. Review status: criteria provided, single submitter. Criteria: Invitae Variant Classification Sherloc (09022015). Collection method: clinical testing. Allele origin: germline.
Comment: This sequence change creates a premature translational stop signal (p.Glu3575Alafs*34) in the FAT4 gene. It is expected to result in an absent or disrupted protein product. Loss-of-function variants in FAT4 are known to be pathogenic (PMID: 24056717, 24913602). This variant is not present in population databases (gnomAD no frequency). This variant has not been reported in the literature in individuals affected with FAT4-related conditions. For these reasons, this variant has been classified as Pathogenic.

Literature cited by the submitters: PubMed 24056717; PubMed 24913602.